The following is an entry in ClinVar:

NM_000751.3(CHRND):c.892C>T (p.Arg298Cys)

Gene: CHRND (cholinergic receptor nicotinic delta subunit; plus strand). Cytogenetic location: 2q37.1.
Variant type: single nucleotide variant.
Coding change: c.892C>T on transcript NM_000751.3 (MANE Select); coding-DNA position 892, C replaced by T.
Protein change: p.Arg298Cys; replaces arginine 298 with cysteine.
Molecular consequence: missense variant.
Genome position (GRCh38, 1-based): chr2:232,531,423, C>T. VCF-style: chr2-232531423-C-T. GRCh37 (hg19) VCF-style: chr2-233396133-C-T.
Other names: p.Arg298Cys; c.892C>T (NM_000751.1); c.847C>T, p.Arg283Cys (NM_001256657.2); c.310C>T, p.Arg104Cys (NM_001311195.2); c.589C>T, p.Arg197Cys (NM_001311196.2); short protein forms R197C, R104C, R298C, R283C.
Identifiers: ClinVar variation 836892 (VCV000836892.14), dbSNP rs377455260, ClinGen allele CA2168182.

ClinVar aggregate classification (germline): Uncertain significance. Review status: criteria provided, multiple submitters, no conflicts (2 of 4 stars). 4 submissions from 4 submitters: Uncertain significance (4). Last evaluated 2025-11-24.

Conditions:
Inborn genetic diseases. Identifiers: MedGen C0950123, MeSH D030342.
Lethal multiple pterygium syndrome (LMPS). Identifiers: Orphanet 33108, MedGen C1854678, MONDO:0009668, OMIM 253290.

Allele frequency attached by ClinVar (database versions not stated): gnomAD 0.00005 and 0.00007; TOPMed 0.00006; ESP Exome Variant Server 0.00008.
gnomAD v4.1: 36 of 1,613,800 alleles (0.0022%); highest among the groups gnomAD compares: Middle Eastern, 0.016%; no homozygotes.

Submissions (4):

Ambry Genetics
Classification: Uncertain significance for Inborn genetic diseases. Last evaluated: 2025-11-24. Review status: criteria provided, single submitter. Criteria: Ambry Variant Classification Scheme 2023. Collection method: clinical testing. Allele origin: germline.

Mayo Clinic Laboratories, Mayo Clinic
Classification: Uncertain significance. Last evaluated: 2025-06-26. Review status: criteria provided, single submitter. Criteria: ACMG Guidelines, 2015. Collection method: clinical testing. Allele origin: germline. Observed: 1 variant allele.
Comment: PP3

Labcorp Genetics (formerly Invitae), Labcorp
Classification: Uncertain significance for Lethal multiple pterygium syndrome. Last evaluated: 2025-03-20. Review status: criteria provided, single submitter. Criteria: Invitae Variant Classification Sherloc (09022015). Collection method: clinical testing. Allele origin: germline.
Comment: This sequence change replaces arginine, which is basic and polar, with cysteine, which is neutral and slightly polar, at codon 298 of the CHRND protein (p.Arg298Cys). This variant is present in population databases (rs377455260, gnomAD 0.04%). This variant has not been reported in the literature in individuals affected with CHRND-related conditions. ClinVar contains an entry for this variant (Variation ID: 836892). Invitae Evidence Modeling of protein sequence and biophysical properties (such as structural, functional, and spatial information, amino acid conservation, physicochemical variation, residue mobility, and thermodynamic stability) indicates that this missense variant is expected to disrupt CHRND protein function with a positive predictive value of 95%. In summary, the available evidence is currently insufficient to determine the role of this variant in disease. Therefore, it has been classified as a Variant of Uncertain Significance.

Revvity Omics, Revvity
Classification: Uncertain significance. Last evaluated: 2023-04-25. Review status: criteria provided, single submitter. Criteria: ACMG Guidelines, 2015. Collection method: clinical testing. Allele origin: germline.